The following is an entry in ClinVar:

ClinVar aggregate classification (germline): Uncertain significance (1 of 4 stars; one submission).

Allele frequency attached by ClinVar (database versions not stated): gnomAD exomes below 0.00001; TOPMed below 0.00001.

Submission:

Labcorp Genetics (formerly Invitae), Labcorp
Classification: Uncertain significance. Last evaluated: 2024-10-26. Review status: criteria provided, single submitter. Criteria: Invitae Variant Classification Sherloc (09022015). Collection method: clinical testing. Allele origin: germline.
Comment: This sequence change replaces arginine, which is basic and polar, with tryptophan, which is neutral and slightly polar, at codon 1130 of the APC2 protein (p.Arg1130Trp). This variant is not present in population databases (gnomAD no frequency). This variant has not been reported in the literature in individuals affected with APC2-related conditions. ClinVar contains an entry for this variant (Variation ID: 2105385). Invitae Evidence Modeling of protein sequence and biophysical properties (such as structural, functional, and spatial information, amino acid conservation, physicochemical variation, residue mobility, and thermodynamic stability) indicates that this missense variant is expected to disrupt APC2 protein function with a positive predictive value of 80%. In summary, the available evidence is currently insufficient to determine the role of this variant in disease. Therefore, it has been classified as a Variant of Uncertain Significance.

NM_005883.3(APC2):c.3388C>T (p.Arg1130Trp)

Gene: APC2 (APC regulator of Wnt signaling pathway 2; plus strand). Cytogenetic location: 19p13.3.
Variant type: single nucleotide variant.
Coding change: c.3388C>T on transcript NM_005883.3 (MANE Select); coding-DNA position 3388, C replaced by T.
Protein change: p.Arg1130Trp; replaces arginine 1130 with tryptophan.
Molecular consequence: missense variant.
Genome position (GRCh38, 1-based): chr19:1,466,689, C>T. VCF-style: chr19-1466689-C-T. GRCh37 (hg19) VCF-style: chr19-1466688-C-T.
Other names: c.3385C>T, p.Arg1129Trp (NM_001351273.1); short protein forms R1129W, R1130W.
Identifiers: ClinVar variation 2105385 (VCV002105385.4), dbSNP rs2084022488, ClinGen allele CA403030099.